The following is an entry in ClinVar:

ClinVar aggregate classification (germline): Uncertain significance (1 of 4 stars; one submission).

Submission:

Labcorp Genetics (formerly Invitae), Labcorp
Classification: Uncertain significance. Last evaluated: 2024-12-16. Review status: criteria provided, single submitter. Criteria: Invitae Variant Classification Sherloc (09022015). Collection method: clinical testing. Allele origin: germline.
Comment: This sequence change falls in intron 97 of the HMCN1 gene. It does not directly change the encoded amino acid sequence of the HMCN1 protein. It affects a nucleotide within the consensus splice site. This variant is not present in population databases (gnomAD no frequency). This variant has not been reported in the literature in individuals affected with HMCN1-related conditions. ClinVar contains an entry for this variant (Variation ID: 2005307). Variants that disrupt the consensus splice site are a relatively common cause of aberrant splicing (PMID: 17576681, 9536098). Algorithms developed to predict the effect of sequence changes on RNA splicing suggest that this variant is not likely to affect RNA splicing. In summary, the available evidence is currently insufficient to determine the role of this variant in disease. Therefore, it has been classified as a Variant of Uncertain Significance.

Literature cited by the submitters: PubMed 17576681; PubMed 9536098.

NM_031935.3(HMCN1):c.15256+5T>A

Gene: HMCN1 (hemicentin 1; plus strand). Cytogenetic location: 1q31.1.
Variant type: single nucleotide variant.
Coding change: c.15256+5T>A on transcript NM_031935.3 (MANE Select); 5 bases into the intron after coding-DNA position 15256, T replaced by A.
Molecular consequence: intron variant.
Genome position (GRCh38, 1-based): chr1:186,153,992, T>A. VCF-style: chr1-186153992-T-A. GRCh37 (hg19) VCF-style: chr1-186123124-T-A.
Identifiers: ClinVar variation 2005307 (VCV002005307.4), dbSNP rs1650833801, ClinGen allele CA2580061687.